The following is an entry in ClinVar:

ClinVar aggregate classification (germline): Benign. Review status: criteria provided, multiple submitters, no conflicts (2 of 4 stars). 5 submissions from 5 submitters: Benign (5). Last evaluated 2021-11-07.

Conditions:
Bartsocas-Papas syndrome 1. Also called: MULTIPLE PTERYGIUM SYNDROME, ASLAN TYPE; Bartsocas-Papas syndrome; PTERYGIUM, POPLITEAL, LETHAL TYPE. Identifiers: Orphanet 1234, MedGen C1849718, MONDO:0009901, OMIM 263650.

Allele frequency attached by ClinVar (database versions not stated): gnomAD exomes 0.40334 and 0.41058; gnomAD 0.38186 and 0.38050; ESP Exome Variant Server 0.36291; TOPMed 0.38281; 1000 Genomes Project 0.38419; 1000 Genomes Project 30x 0.38335; ExAC 0.41258.

Submissions (5):

Genome-Nilou Lab
Classification: Benign for Bartsocas-Papas syndrome 1. Last evaluated: 2021-11-07. Review status: criteria provided, single submitter. Criteria: ACMG Guidelines, 2015. Collection method: clinical testing. Allele origin: germline. Affected: no.

GeneDx
Classification: Benign. Last evaluated: 2019-10-02. Review status: criteria provided, single submitter. Criteria: GeneDx Variant Classification Process June 2021. Collection method: clinical testing. Allele origin: germline. Affected: yes.

Illumina Laboratory Services, Illumina
Classification: Benign for Bartsocas-Papas syndrome 1. Last evaluated: 2018-01-13. Review status: criteria provided, single submitter. Criteria: ICSL Variant Classification Criteria 13 December 2019. Collection method: clinical testing. Allele origin: germline.
Comment: This variant was observed in the ICSL laboratory as part of a predisposition screen in an ostensibly healthy population. It had not been previously curated by ICSL or reported in the Human Gene Mutation Database (HGMD: prior to June 1st, 2018), and was therefore a candidate for classification through an automated scoring system. Utilizing variant allele frequency, disease prevalence and penetrance estimates, and inheritance mode, an automated score was calculated to assess if this variant is too frequent to cause the disease. Based on the score and internal cut-off values, a variant classified as benign is not then subjected to further curation. The score for this variant resulted in a classification of benign for this disease.

Breakthrough Genomics
Classification: Benign. Review status: criteria provided, single submitter. Criteria: ACMG Guidelines, 2015. Collection method: not provided. Allele origin: germline. Inheritance: Autosomal recessive inheritance. Affected: yes.

PreventionGenetics, part of Exact Sciences
Classification: Benign. Review status: criteria provided, single submitter. Criteria: ACMG Guidelines, 2015. Collection method: clinical testing. Allele origin: germline.

NM_020639.3(RIPK4):c.1005G>T (p.Leu335=)

Gene: RIPK4 (receptor interacting serine/threonine kinase 4; minus strand). Cytogenetic location: 21q22.3.
Variant type: single nucleotide variant.
Coding change: c.1005G>T on transcript NM_020639.3 (MANE Select); coding-DNA position 1005, G replaced by T.
Protein change: p.Leu335=; no amino-acid change (leucine 335 retained).
Molecular consequence: synonymous variant.
Genome position (GRCh38, 1-based): chr21:41,744,072, C>A on the plus strand (G>T on the coding strand, the complement: RIPK4 is on the minus strand). VCF-style: chr21-41744072-C-A. GRCh37 (hg19) VCF-style: chr21-43164232-C-A.
Identifiers: ClinVar variation 261346 (VCV000261346.11), dbSNP rs2277789, ClinGen allele CA10035429.